The following is an entry in ClinVar:

ClinVar aggregate classification (germline): Pathogenic (1 of 4 stars; one submission).

Conditions:
Long QT syndrome (LQTS). Identifiers: MedGen C0023976, MeSH D008133, MONDO:0002442. Disease mechanism: loss of function. Inheritance: Various modes of inheritance.

Submission:

Labcorp Genetics (formerly Invitae), Labcorp
Classification: Pathogenic for Long QT syndrome. Last evaluated: 2025-11-21. Review status: criteria provided, single submitter. Criteria: Invitae Variant Classification Sherloc (09022015). Collection method: clinical testing. Allele origin: germline.
Comment: This sequence change creates a premature translational stop signal (p.Gln592*) in the KCNH2 gene. It is expected to result in an absent or disrupted protein product. Loss-of-function variants in KCNH2 are known to be pathogenic (PMID: 10973849, 19862833). This variant is not present in population databases (gnomAD no frequency). This variant has not been reported in the literature in individuals affected with KCNH2-related conditions. For these reasons, this variant has been classified as Pathogenic.

Literature cited by the submitters: PubMed 10973849; PubMed 19862833.

NM_000238.4(KCNH2):c.1774C>T (p.Gln592Ter)

Gene: KCNH2 (potassium voltage-gated channel subfamily H member 2; minus strand). Cytogenetic location: 7q36.1.
Variant type: single nucleotide variant.
Coding change: c.1774C>T on transcript NM_000238.4 (MANE Select); coding-DNA position 1774, C replaced by T.
Protein change: p.Gln592Ter; replaces glutamine 592 with a stop codon.
Molecular consequence: nonsense. On other transcripts: non-coding transcript variant (2).
Genome position (GRCh38, 1-based): chr7:150,951,619, G>A on the plus strand (C>T on the coding strand, the complement: KCNH2 is on the minus strand). VCF-style: chr7-150951619-G-A. GRCh37 (hg19) VCF-style: chr7-150648707-G-A.
Other names: c.754C>T, p.Gln252Ter (NM_001204798.2, NM_172057.3); c.1486C>T, p.Gln496Ter (NM_001406753.1, NM_001406756.1); c.1597C>T, p.Gln533Ter (NM_001406755.1); c.1474C>T, p.Gln492Ter (NM_001406757.1); c.1774C>T, p.Gln592Ter (NM_172056.3); short protein forms Q492*, Q496*, Q252*, Q533*, Q592*.
Identifiers: ClinVar variation 4724072 (VCV004724072.1).